The following is an entry in ClinVar:

NM_173791.5(PDZD8):c.1251C>T (p.Ile417=)

Gene: PDZD8 (PDZ domain containing 8; minus strand). Cytogenetic location: 10q25.3.
Variant type: single nucleotide variant.
Coding change: c.1251C>T on transcript NM_173791.5 (MANE Select); coding-DNA position 1251, C replaced by T.
Protein change: p.Ile417=; no amino-acid change (isoleucine 417 retained).
Molecular consequence: synonymous variant.
Genome position (GRCh38, 1-based): chr10:117,290,196, G>A on the plus strand (C>T on the coding strand, the complement: PDZD8 is on the minus strand). VCF-style: chr10-117290196-G-A. GRCh37 (hg19) VCF-style: chr10-119049707-G-A.
Identifiers: ClinVar variation 2640873 (VCV002640873.24), dbSNP rs751323440, ClinGen allele CA5711059.

ClinVar aggregate classification (germline): Likely benign (1 of 4 stars; one submission).

Allele frequency attached by ClinVar (database versions not stated): gnomAD exomes 0.00001; ExAC 0.00002.

Submission:

CeGaT Center for Human Genetics Tuebingen
Classification: Likely benign. Last evaluated: 2022-11-01. Review status: criteria provided, single submitter. Criteria: CeGaT Center For Human Genetics Tuebingen Variant Classification Criteria Version 2. Collection method: clinical testing. Allele origin: germline. Affected: yes. Observed: 1 variant allele.
Comment: PDZD8: BP4, BP7